The following is an entry in ClinVar:

ClinVar aggregate classification (germline): Uncertain significance (1 of 4 stars; one submission).

Submission:

Labcorp Genetics (formerly Invitae), Labcorp
Classification: Uncertain significance. Last evaluated: 2025-07-13. Review status: criteria provided, single submitter. Criteria: Invitae Variant Classification Sherloc (09022015). Collection method: clinical testing. Allele origin: germline.
Comment: This variant, c.785_796dup, results in the insertion of 4 amino acid(s) of the WNT1 protein (p.Gly262_Arg265dup), but otherwise preserves the integrity of the reading frame. This variant is not present in population databases (gnomAD no frequency). This variant has not been reported in the literature in individuals affected with WNT1-related conditions. In summary, the available evidence is currently insufficient to determine the role of this variant in disease. Therefore, it has been classified as a Variant of Uncertain Significance.

NM_005430.4(WNT1):c.785_796dup (p.Arg265_Ala266insGlySerAsnArg)

Gene: WNT1 (Wnt family member 1; plus strand). Cytogenetic location: 12q13.12.
Variant type: Duplication.
Coding change: c.785_796dup on transcript NM_005430.4 (MANE Select); coding-DNA positions 785 to 796, 12 bases duplicated (GCAGCAACCGCG).
Protein change: p.Arg265_Ala266insGlySerAsnArg.
Molecular consequence: inframe insertion.
Genome position (GRCh38, 1-based): chr12:48,981,312-48,981,323, GCAGCAACCGCG duplicated; duplicating any 12 consecutive bases within chr12:48,981,303-48,981,323 gives the same sequence; the c. name uses the placement nearest the transcript's 3' end. VCF-style (leftmost placement, unchanged base first): chr12-48981302-G-GGCAACCGCGGCA. GRCh37 (hg19) VCF-style: chr12-49375085-G-GGCAACCGCGGCA.
Identifiers: ClinVar variation 4723124 (VCV004723124.1).